The following is an entry in ClinVar:

NM_005159.5(ACTC1):c.723C>A (p.Ser241Arg)

Genes: ACTC1 (actin alpha cardiac muscle 1; minus strand), GJD2-DT (GJD2 divergent transcript; plus strand). Cytogenetic location: 15q14.
Variant type: single nucleotide variant.
Coding change: c.723C>A on transcript NM_005159.5 (MANE Select); coding-DNA position 723, C replaced by A.
Protein change: p.Ser241Arg; replaces serine 241 with arginine.
Molecular consequence: missense variant.
Genome position (GRCh38, 1-based): chr15:34,792,175, G>T on the plus strand (C>A on the coding strand, the complement: ACTC1 is on the minus strand). VCF-style: chr15-34792175-G-T. GRCh37 (hg19) VCF-style: chr15-35084376-G-T.
Other names: c.723C>A (LRG_388t1); short protein forms S241R.
Identifiers: ClinVar variation 565936 (VCV000565936.8), dbSNP rs1566967406, ClinGen allele CA391630122.
Genomic context (GRCh38, chr15:34,792,175, plus strand): 5'-CTCAGGACAGCGGAAGCGCTCATTGCCAATAGTGATGACTTGGCCATCAGGCAGTTCATA[G>T]CTCTTCTCCAGGGAGGAGGAAGAGGCAGCTGTGGCCATCTCATTCTCAAAATCCAGGGCG-3'
Protein context (NP_005150.1, residues 231-251): TAASSSSLEK[Ser241Arg]YELPDGQVIT

ClinVar aggregate classification (germline): Uncertain significance (1 of 4 stars; one submission).

Conditions:
Atrial septal defect 5 (ASD5). Identifiers: Orphanet 1478, MedGen C2748552, MONDO:0013011, OMIM 612794.
Dilated cardiomyopathy 1R (CMD1R). Identifiers: Orphanet 154, Orphanet 54260, MedGen C3150681, MONDO:0013261, OMIM 613424.
Hypertrophic cardiomyopathy 11. Also called: ACTC1-Related Familial Hypertrophic Cardiomyopathy. Identifiers: MedGen C2677506, MONDO:0012799, OMIM 612098.

Submission:

Labcorp Genetics (formerly Invitae), Labcorp
Classification: Uncertain significance for Dilated cardiomyopathy 1R; Hypertrophic cardiomyopathy 11; Atrial septal defect 5. Last evaluated: 2025-11-21. Review status: criteria provided, single submitter. Criteria: Invitae Variant Classification Sherloc (09022015). Collection method: clinical testing. Allele origin: germline.
Comment: This sequence change replaces serine, which is neutral and polar, with arginine, which is basic and polar, at codon 241 of the ACTC1 protein (p.Ser241Arg). This variant is not present in population databases (gnomAD no frequency). This missense change has been observed in individual(s) with clinical features of ACTC1-related conditions (internal data). ClinVar contains an entry for this variant (Variation ID: 565936). Invitae Evidence Modeling of protein sequence and biophysical properties (such as structural, functional, and spatial information, amino acid conservation, physicochemical variation, residue mobility, and thermodynamic stability) indicates that this missense variant is not expected to disrupt ACTC1 protein function with a negative predictive value of 80%. In summary, the available evidence is currently insufficient to determine the role of this variant in disease. Therefore, it has been classified as a Variant of Uncertain Significance.